The following is an entry in ClinVar:

ClinVar aggregate classification (germline): Uncertain significance (1 of 4 stars; one submission).

Submission:

Labcorp Genetics (formerly Invitae), Labcorp
Classification: Uncertain significance. Last evaluated: 2023-11-22. Review status: criteria provided, single submitter. Criteria: Invitae Variant Classification Sherloc (09022015). Collection method: clinical testing. Allele origin: germline.
Comment: This sequence change replaces threonine, which is neutral and polar, with serine, which is neutral and polar, at codon 320 of the LZTR1 protein (p.Thr320Ser). This variant is not present in population databases (gnomAD no frequency). This variant has not been reported in the literature in individuals affected with LZTR1-related conditions. Advanced modeling of protein sequence and biophysical properties (such as structural, functional, and spatial information, amino acid conservation, physicochemical variation, residue mobility, and thermodynamic stability) performed at Invitae indicates that this missense variant is not expected to disrupt LZTR1 protein function with a negative predictive value of 80%. In summary, the available evidence is currently insufficient to determine the role of this variant in disease. Therefore, it has been classified as a Variant of Uncertain Significance.

NM_006767.4(LZTR1):c.958A>T (p.Thr320Ser)

Gene: LZTR1 (leucine zipper like post translational regulator 1; plus strand). Cytogenetic location: 22q11.21.
Variant type: single nucleotide variant.
Coding change: c.958A>T on transcript NM_006767.4 (MANE Select); coding-DNA position 958, A replaced by T.
Protein change: p.Thr320Ser; replaces threonine 320 with serine.
Molecular consequence: missense variant.
Genome position (GRCh38, 1-based): chr22:20,991,794, A>T. VCF-style: chr22-20991794-A-T. GRCh37 (hg19) VCF-style: chr22-21346083-A-T.
Other names: short protein forms T320S.
Identifiers: ClinVar variation 2986943 (VCV002986943.3), dbSNP rs1161999355, ClinGen allele CA410781557.